The following is an entry in ClinVar:

NR_001566.3(TERC):n.327_328TC[2]

Genes: TERC (telomerase RNA component; minus strand), LOC110806306 (telomerase RNA component (TERC) promoter; plus strand). Cytogenetic location: 3q26.2.
Variant type: Microsatellite.
Genome position: GRCh38 VCF-style: chr3-169764728-CGA-C. GRCh37 (hg19) VCF-style: chr3-169482516-CGA-C.
Identifiers: ClinVar variation 3014205 (VCV003014205.3), dbSNP rs2108182896, ClinGen allele CA2704550553.
Genomic context (GRCh38, chr3:169,764,728, plus strand): 5'-CGGGGACTCGCTCCGTTCCTCTTCCTGCGGCCTGAAAGGCCTGAACCTCGCCCTCGCCCC[CGA>C]GAGACCCGCGGCTGACAGAGCCCAACTCTTCGCGGTGGCAGTGGGTGCCTCCGGAGAAGC-3'

ClinVar aggregate classification (germline): Uncertain significance (1 of 4 stars; one submission).

Conditions:
Dyskeratosis congenita, autosomal dominant 1 (DKCA1). Also called: Dyskeratosis congenita Scoggins type. Identifiers: Orphanet 1775, MedGen C4551974, MONDO:0007485, OMIM 127550. Inheritance: Variable.

Submission:

Labcorp Genetics (formerly Invitae), Labcorp
Classification: Uncertain significance for Dyskeratosis congenita, autosomal dominant 1. Last evaluated: 2022-11-23. Review status: criteria provided, single submitter. Criteria: Invitae Variant Classification Sherloc (09022015). Collection method: clinical testing. Allele origin: germline.
Comment: This variant is located within the hypervariable region that is not conserved in the TERC RNA component (PMID: 10721988, 21844345). The functional significance of this region is not well understood. In summary, the available evidence is currently insufficient to determine the role of this variant in disease. Therefore, it has been classified as a Variant of Uncertain Significance. This variant occurs in the TERC gene, which encodes an RNA molecule that does not result in a protein product. This variant is not present in population databases (gnomAD no frequency). This variant has not been reported in the literature in individuals affected with TERC-related conditions. Experimental studies and prediction algorithms are not available or were not evaluated, and the functional significance of this variant is currently unknown.

Literature cited by the submitters: PubMed 10721988; PubMed 21844345.